The following continues an entry in ClinVar:

NM_004004.6(GJB2):c.167del (p.Leu56fs)

Gene: GJB2. ClinVar aggregate classification (germline): Pathogenic. Pathogenic (1).

Submissions 8 to 20 of 36:

3billion
Classification: Pathogenic for Autosomal recessive nonsyndromic hearing loss 1A. Last evaluated: 2025-10-07. Review status: criteria provided, single submitter. Criteria: ACMG Guidelines, 2015. Collection method: clinical testing. Allele origin: germline. Affected: yes. Not counted in ClinVar's aggregate classification.
Comment: The variant is observed at an extremely low frequency in the gnomAD v4.1.0 dataset (total allele frequency: 0.051%). Predicted Consequence/Location: Frameshift: predicted to result in a loss or disruption of normal protein function through protein truncation. Multiple pathogenic variants are reported in the predicted truncated region. The variant has been reported to be in trans with a pathogenic variant as either compound heterozygous or homozygous in at least 4 similarly affected unrelated individuals (PMID: 17666888, 24158611, 24529908, 26096904, 9285800). The variant has been reported multiple times as an established pathogenic variant (ClinVar ID: VCV000017010 /PMID: 9285800 /3billion dataset). Therefore, this variant is classified as Pathogenic according to the recommendation of ACMG/AMP guideline.

Revvity Omics, Revvity
Classification: Pathogenic. Last evaluated: 2025-04-01. Review status: criteria provided, single submitter. Criteria: ACMG Guidelines, 2015. Collection method: clinical testing. Allele origin: germline. Not counted in ClinVar's aggregate classification.

Rady Children's Institute for Genomic Medicine, Rady Children's Hospital San Diego
Classification: Pathogenic for GJB2-related disorders. Last evaluated: 2025-01-30. Review status: criteria provided, single submitter. Criteria: ACMG Guidelines, 2015. Collection method: clinical testing. Allele origin: germline. Affected: yes. Not counted in ClinVar's aggregate classification.
Comment: This frameshifting variant in the only exon of GJB2 is predicted to escape nonsense-mediated decay but result in loss of normal protein function through protein truncation. Loss-of-function variation in GJB2 is an established mechanism of disease (PMID: 20301449). This is a known Pathogenic variant that has been previously reported as a compound heterozygous and homozygous change in patients with autosomal recessive nonsyndromic hearing loss (PMID: 24529908, 26096904, 9819448, 24158611, 9285800, 17666888). It is prevalent among individuals of Ashkenazi Jewish ancestry due to the presence of a founder effect (PMID: 9819448). The c.167del (p.Leu56ArgfsTer26) variant is present in the latest version of the gnomAD population database at an allele frequency of 0.05% (824/1612308), including 3 homozygous individuals. Based on the available evidence, c.167del (p.Leu56ArgfsTer26) is classified as Pathogenic.

Blueprint Genetics
Classification: Pathogenic for GJB2-related disorders. Last evaluated: 2024-10-30. Review status: criteria provided, single submitter. Criteria: ACMG Guidelines, 2015. Collection method: clinical testing. Allele origin: germline. Affected: yes. Observed: 5 variant alleles. Not counted in ClinVar's aggregate classification.

Fulgent Genetics
Classification: Pathogenic for Mutilating keratoderma; Autosomal dominant keratitis-ichthyosis-hearing loss syndrome; Palmoplantar keratoderma-deafness syndrome; Knuckle pads, deafness AND leukonychia syndrome; Autosomal recessive nonsyndromic hearing loss 1A; Autosomal dominant nonsyndromic hearing loss 3A. Last evaluated: 2024-05-04. Review status: criteria provided, single submitter. Criteria: ACMG Guidelines, 2015. Collection method: clinical testing. Allele origin: germline. Not counted in ClinVar's aggregate classification.

Department of Pathology and Laboratory Medicine, Sinai Health System
Classification: Pathogenic for Knuckle pads, deafness AND leukonychia syndrome; Mutilating keratoderma; Palmoplantar keratoderma-deafness syndrome. Last evaluated: 2023-09-13. Review status: criteria provided, single submitter. Criteria: ACMG Guidelines, 2015. Collection method: research. Allele origin: germline. Not counted in ClinVar's aggregate classification.

Johns Hopkins Genomics, Johns Hopkins University
Classification: Pathogenic for Autosomal recessive nonsyndromic hearing loss 1A. Last evaluated: 2023-04-28. Review status: criteria provided, single submitter. Criteria: ACMG Guidelines, 2015. Collection method: clinical testing. Allele origin: germline. Not counted in ClinVar's aggregate classification.

ARUP Laboratories, Molecular Genetics and Genomics, ARUP Laboratories
Classification: Pathogenic. Last evaluated: 2022-12-09. Review status: criteria provided, single submitter. Criteria: ARUP Molecular Germline Variant Investigation Process 2024. Collection method: clinical testing. Allele origin: germline. Not counted in ClinVar's aggregate classification.
Comment: The GJB2 c.167delT; p.Leu56fs variant (rs80338942) creates a frameshift and is predicted to result in a truncated protein or absent transcript. Homozygous and compound heterozygous c.167delT variants have been reported in a number of patients with hearing loss (Kenna 2010, Snoeckx 2005). This variant is reported to ClinVar (Variation ID: 17010), and observed in the general population databases with an overall allele frequency of 0.08 percent (218/276720 alleles), including 3 homozygotes (Genome Aggregation Database). Importantly, this variant has been reported at a carrier frequency of 2.4-7.5 percent in Ashkenazi Jewish individuals (Bors 2004, Lerer 2000, Morell 1998, Sobe 1999). Taken together, this variant is considered pathogenic. REFERENCES Link to ClinVar database for c.167delT: Bors A. et al. Frequencies of two common mutations (c.35delG and c.167delT) of the connexin 26 gene in different populations of Hungary. Int J Mol Med. 2004; 14(6):1105-1108. Gualandi F et al. Exploring the clinical and epidemiological complexity of GJB2-linked deafness. Am J Med Genet. 2002 Sep 15;112(1):38-45. Kenna MA et al. Audiologic Phenotype and Progression in GJB2 (Connexin 26) Hearing Loss. Arch Otolaryngol Head Neck Surg 2010; 136(1):81-87. Lerer I et al. Contribution of connexin 26 mutations in non-syndromic deafness in Ashkenazi patients and the variable phenotypic effect of the mutation 167delT. Am. J. Med. Genet. 2000; 95:53-56. Morell RJ et al. Mutations in the connexin 26 gene (GJB2) among Ashkenazi Jews with nonsyndromic recessive deafness. N Engl J Med. 1998; 339(21):1500-1505. Snoeckx RL et al. GJB2 Mutations and Degree of Hearing Loss: A Multicenter Study. Am J Hum Genet 2005; 77:945-957. Sobe T et al. High frequency of the deafness-associated 167delT mutation in the connexin 26 (GJB2) gene in Israeli Ashkenazim. Am J Med Genet. 1999; 86:499-500.

Athena Diagnostics
Classification: Pathogenic. Last evaluated: 2022-05-24. Review status: criteria provided, single submitter. Criteria: Athena Diagnostics Criteria. Collection method: clinical testing. Allele origin: unknown. Not counted in ClinVar's aggregate classification.
Comment: This variant is expected to result in the loss of a functional protein. This variant is the most common pathogenic variant among the Ashkenazi Jewish population (PMID: 9819448), and therefore, the observed frequency of this variant in the general population is consistent with pathogenicity. In multiple individuals with nonsyndromic hearing loss, this variant has been seen with a single recessive pathogenic variant in the same gene.

Mendelics
Classification: Pathogenic for Mutilating keratoderma. Last evaluated: 2022-05-04. Review status: criteria provided, single submitter. Criteria: Mendelics Assertion Criteria 2019. Collection method: clinical testing. Allele origin: germline. Not counted in ClinVar's aggregate classification.

Centre of Medical Genetics, University Hospital Muenster
Classification: Pathogenic. Last evaluated: 2021-12-08. Review status: criteria provided, single submitter. Criteria: ACMG Guidelines, 2015. Collection method: clinical testing. Allele origin: germline. Affected: yes. Observed: 1 variant allele, 1 compound heterozygote. Not counted in ClinVar's aggregate classification.
Comment: ACMG categories: PVS1,PM2,PP5

INGEBI, INGEBI / CONICET
Classification: Pathogenic for Nonsyndromic hearing loss and deafness. Last evaluated: 2020-08-31. Review status: criteria provided, single submitter. Criteria: ClinGen HL ACMG Specifications v1. Collection method: clinical testing. Allele origin: germline. Inheritance: Autosomal recessive inheritance. Affected: yes. Observed: 13 variant alleles, 13 compound heterozygotes, 1 homozygote. Clinical features observed: Prelinegual moderate to profound bilateral hearing loss. Not counted in ClinVar's aggregate classification.
Comment: Based on ACMG/AMP guidelines and Hearing Loss Expert Panel specific criteria: PVS1, PM3_VS

Victorian Clinical Genetics Services, Murdoch Childrens Research Institute
Classification: Pathogenic for Autosomal recessive nonsyndromic hearing loss 1A. Last evaluated: 2020-07-02. Review status: criteria provided, single submitter. Criteria: ACMG Guidelines, 2015. Collection method: clinical testing. Allele origin: germline. Not counted in ClinVar's aggregate classification.
Comment: Based on the classification scheme VCGS_Germline_v1.3.3, this variant is classified as Pathogenic. Following criteria are met: 0102 - Loss of function is a known mechanism of disease in this gene and is associated with autosomal recessive non syndromic hearing loss. However dominant negative is a likely mechanism for missense variants (PMID: 28428247). (I) 0108 - This gene is associated with both recessive and dominant disease. Truncating variants most likely to result in lost protein function are more commonly reported for recessive disease, while missense are more commonly reported for dominant disease (OMIM). (I) 0112 - The condition associated with this gene has incomplete penetrance. Two missense variants are most commonly reported with incomplete penetrance (PMID:31160754). (I) 0204 - Variant is predicted to result in a truncated protein (premature termination codon is NOT located at least 54 nucleotides upstream of the final exon-exon junction) with at least 1/3 of the protein sequence affected. (SP) 0251 - This variant is heterozygous. (I) 0305 - Variant is present in gnomAD v2 >=0.01 and <0.03 for a recessive condition (221 heterozygotes, 3 homozygotes). (I) 0701 - Other truncating variants downstream of the one identified in this case have very strong previous evidence for pathogenicity. Patients with these variants are generally reported with non syndromic autosomal recessive hearing loss (ClinVar, PMID: 26096904). (SP) 0801 - This variant has strong previous evidence of pathogenicity in unrelated individuals. (I) Legend: (SP) - Supporting pathogenic, (I) - Information, (SB) - Supporting benign